The following is an entry in ClinVar:

NM_145045.5(ODAD3):c.664G>A (p.Glu222Lys)

Gene: ODAD3 (outer dynein arm docking complex subunit 3; minus strand). Cytogenetic location: 19p13.2.
Variant type: single nucleotide variant.
Coding change: c.664G>A on transcript NM_145045.5 (MANE Select); coding-DNA position 664, G replaced by A.
Protein change: p.Glu222Lys; replaces glutamic acid 222 with lysine.
Molecular consequence: missense variant. On other transcripts: intron variant (1).
Genome position (GRCh38, 1-based): chr19:11,426,733, C>T on the plus strand (G>A on the coding strand, the complement: ODAD3 is on the minus strand). VCF-style: chr19-11426733-C-T. GRCh37 (hg19) VCF-style: chr19-11537553-C-T.
Other names: c.502G>A, p.Glu168Lys (NM_001302453.1); c.534+140G>A (NM_001302454.2); short protein forms E222K, E168K.
Identifiers: ClinVar variation 836190 (VCV000836190.10), dbSNP rs1969384812, ClinGen allele CA404124383.

ClinVar aggregate classification (germline): Uncertain significance (1 of 4 stars; one submission).

Conditions:
Primary ciliary dyskinesia 30. Also called: CILIARY DYSKINESIA, PRIMARY, 30, WITH OR WITHOUT SITUS INVERSUS. Identifiers: Orphanet 244, MedGen C4015016, MONDO:0014465, OMIM 616037.

Submission:

Labcorp Genetics (formerly Invitae), Labcorp
Classification: Uncertain significance for Primary ciliary dyskinesia 30. Last evaluated: 2019-12-24. Review status: criteria provided, single submitter. Criteria: Invitae Variant Classification Sherloc (09022015). Collection method: clinical testing. Allele origin: germline.
Comment: In summary, the available evidence is currently insufficient to determine the role of this variant in disease. Therefore, it has been classified as a Variant of Uncertain Significance. Algorithms developed to predict the effect of missense changes on protein structure and function (SIFT, PolyPhen-2, Align-GVGD) all suggest that this variant is likely to be disruptive, but these predictions have not been confirmed by published functional studies and their clinical significance is uncertain. This variant has not been reported in the literature in individuals with CCDC151-related conditions. This variant is not present in population databases (ExAC no frequency). This sequence change replaces glutamic acid with lysine at codon 222 of the CCDC151 protein (p.Glu222Lys). The glutamic acid residue is highly conserved and there is a small physicochemical difference between glutamic acid and lysine.